The following is an entry in ClinVar:

ClinVar aggregate classification (germline): Pathogenic. Review status: reviewed by expert panel (3 of 4 stars). 3 submissions from 3 submitters: Pathogenic (1). 2 of the submissions do not count toward it. Last evaluated 2020-09-08.

Conditions:
Glanzmann thrombasthenia. Also called: Glanzmann's thrombasthenia; PLATELET GLYCOPROTEIN IIb-IIIa DEFICIENCY; BLEEDING DISORDER, PLATELET-TYPE, 2; THROMBASTHENIA OF GLANZMANN AND NAEGELI; Thrombasthenia. Identifiers: Orphanet 849, MedGen C0040015, MONDO:0100326.

Allele frequency attached by ClinVar (database versions not stated): gnomAD exomes below 0.00001; gnomAD 0.00001; TOPMed 0.00001.

Submissions (3):

ClinGen Platelet Disorders Variant Curation Expert Panel, ClinGen
Classification: Pathogenic for Glanzmann thrombasthenia. Last evaluated: 2020-09-08. Review status: reviewed by expert panel. Criteria: ClinGen Platelet ACMG Specifications v2. Collection method: curation. Allele origin: germline. Inheritance: Autosomal recessive inheritance.
Comment: The NM_000212.3(ITGB3):c.262C>T variant predicts a nonsense change, Arg88Ter, in exon 3/15, which results in a severely truncated transcript that is expected to undergo NMD. It is reported at a very low frequency (<0.0001) in the non-Finnish European population in gnomAD v2.1.1 and v3. At least 2 compound heterozygous GT patients have been reported in the literature. In summary, the variant meets criteria to be classified as pathogenic. GT-specific criteria met: PVS1, PP4_Strong, PM2_Supporting, PM3_Supporting.

Labcorp Genetics (formerly Invitae), Labcorp
Classification: Pathogenic. Last evaluated: 2025-08-06. Review status: criteria provided, single submitter. Criteria: Invitae Variant Classification Sherloc (09022015). Collection method: clinical testing. Allele origin: germline. Not counted in ClinVar's aggregate classification.
Comment: This sequence change creates a premature translational stop signal (p.Arg88*) in the ITGB3 gene. It is expected to result in an absent or disrupted protein product. Loss-of-function variants in ITGB3 are known to be pathogenic (PMID: 21917754). The frequency data for this variant in the population databases is considered unreliable, as metrics indicate poor data quality at this position in the gnomAD database. This premature translational stop signal has been observed in individual(s) with Glanzmann thrombasthenia (PMID: 8571304). This variant is also known as p.Arg62*. ClinVar contains an entry for this variant (Variation ID: 996209). For these reasons, this variant has been classified as Pathogenic.

GeneDx
Classification: Likely pathogenic. Last evaluated: 2025-07-02. Review status: criteria provided, single submitter. Criteria: GeneDx Variant Classification Process June 2021. Collection method: clinical testing. Allele origin: germline. Affected: yes. Not counted in ClinVar's aggregate classification.
Comment: Reported in a patient with Glanzmann thrombasthenia in the published literature who also harbors a missense variant in the ITGB3 gene (PMID: 8571304); Nonsense variant predicted to result in protein truncation or nonsense mediated decay in a gene for which loss of function is a known mechanism of disease; This variant is associated with the following publications: (PMID: 25525159, 8571304, 37647632, 16463284)

Literature cited by the submitters: PubMed 16463284 (cited by ClinGen Platelet Disorders Variant Curation Expert Panel, ClinGen); PubMed 25728920 (cited by ClinGen Platelet Disorders Variant Curation Expert Panel, ClinGen); PubMed 21917754 (cited by Labcorp Genetics (formerly Invitae), Labcorp); PubMed 8571304 (cited by Labcorp Genetics (formerly Invitae), Labcorp).

NM_000212.3(ITGB3):c.262C>T (p.Arg88Ter)

Gene: ITGB3 (integrin subunit beta 3; plus strand). Cytogenetic location: 17q21.32.
Variant type: single nucleotide variant.
Coding change: c.262C>T on transcript NM_000212.3 (MANE Select); coding-DNA position 262, C replaced by T.
Protein change: p.Arg88Ter; replaces arginine 88 with a stop codon.
Molecular consequence: nonsense.
Genome position (GRCh38, 1-based): chr17:47,283,450, C>T. VCF-style: chr17-47283450-C-T. GRCh37 (hg19) VCF-style: chr17-45360816-C-T.
Other names: c.262C>T (NM_000212.2); short protein forms R88*.
Identifiers: ClinVar variation 996209 (VCV000996209.6), dbSNP rs1399113954, ClinGen allele CA400020703.
Genomic context (GRCh38, chr17:47,283,450, plus strand): 5'-GAGAATCTGCTGAAGGATAACTGTGCCCCAGAATCCATCGAGTTCCCAGTGAGTGAGGCC[C>T]GAGTACTAGAGGACAGGCCCCTCAGCGACAAGGGCTCTGGAGACAGCTCCCAGGTCACTC-3'